The following is an entry in ClinVar:

ClinVar aggregate classification (germline): Uncertain significance. Review status: criteria provided, multiple submitters, no conflicts (2 of 4 stars). 2 submissions from 2 submitters: Uncertain significance (2). Last evaluated 2026-01-17.

Conditions:
Hereditary cancer-predisposing syndrome. Also called: Neoplastic Syndromes, Hereditary; Tumor predisposition; Hereditary neoplastic syndrome; Hereditary Cancer Syndrome. Identifiers: Orphanet 140162, MedGen C0027672, MeSH D009386, MONDO:0015356.

Allele frequency attached by ClinVar (database versions not stated): gnomAD exomes below 0.00001.
gnomAD v4.1: 2 of 1,613,438 alleles (0.00012%); highest among the groups gnomAD compares: Non-Finnish European, 0.00017%; no homozygotes.

Submissions (2):

Ambry Genetics
Classification: Uncertain significance for Hereditary cancer-predisposing syndrome. Last evaluated: 2026-01-17. Review status: criteria provided, single submitter. Criteria: Ambry Variant Classification Scheme 2023. Collection method: clinical testing. Allele origin: germline.
Comment: The p.K666T variant (also known as c.1997A>C), located in coding exon 18 of the POLE gene, results from an A to C substitution at nucleotide position 1997. The lysine at codon 666 is replaced by threonine, an amino acid with similar properties. This amino acid position is conserved. In addition, this alteration is predicted to be tolerated by in silico analysis. Based on the available evidence, the clinical significance of this variant remains unclear.

Labcorp Genetics (formerly Invitae), Labcorp
Classification: Uncertain significance. Last evaluated: 2024-10-15. Review status: criteria provided, single submitter. Criteria: Invitae Variant Classification Sherloc (09022015). Collection method: clinical testing. Allele origin: germline.
Comment: This sequence change replaces lysine, which is basic and polar, with threonine, which is neutral and polar, at codon 666 of the POLE protein (p.Lys666Thr). This variant is not present in population databases (gnomAD no frequency). This variant has not been reported in the literature in individuals affected with POLE-related conditions. ClinVar contains an entry for this variant (Variation ID: 405652). Invitae Evidence Modeling of protein sequence and biophysical properties (such as structural, functional, and spatial information, amino acid conservation, physicochemical variation, residue mobility, and thermodynamic stability) indicates that this missense variant is not expected to disrupt POLE protein function with a negative predictive value of 80%. In summary, the available evidence is currently insufficient to determine the role of this variant in disease. Therefore, it has been classified as a Variant of Uncertain Significance.

NM_006231.4(POLE):c.1997A>C (p.Lys666Thr)

Gene: POLE (DNA polymerase epsilon, catalytic subunit; minus strand). Cytogenetic location: 12q24.33.
Variant type: single nucleotide variant.
Coding change: c.1997A>C on transcript NM_006231.4 (MANE Select); coding-DNA position 1997, A replaced by C.
Protein change: p.Lys666Thr; replaces lysine 666 with threonine.
Molecular consequence: missense variant.
Genome position (GRCh38, 1-based): chr12:132,668,664, T>G on the plus strand (A>C on the coding strand, the complement: POLE is on the minus strand). VCF-style: chr12-132668664-T-G. GRCh37 (hg19) VCF-style: chr12-133245250-T-G.
Other names: short protein forms K666T.
Identifiers: ClinVar variation 405652 (VCV000405652.7), dbSNP rs1060500796, ClinGen allele CA16613715.